The following is an entry in ClinVar:

NM_018263.6(ASXL2):c.3425A>G (p.His1142Arg)

Gene: ASXL2 (ASXL transcriptional regulator 2; minus strand). Cytogenetic location: 2p23.3.
Variant type: single nucleotide variant.
Coding change: c.3425A>G on transcript NM_018263.6 (MANE Select); coding-DNA position 3425, A replaced by G.
Protein change: p.His1142Arg; replaces histidine 1142 with arginine.
Molecular consequence: missense variant.
Genome position (GRCh38, 1-based): chr2:25,742,912, T>C on the plus strand (A>G on the coding strand, the complement: ASXL2 is on the minus strand). VCF-style: chr2-25742912-T-C. GRCh37 (hg19) VCF-style: chr2-25965781-T-C.
Other names: c.3251A>G, p.His1084Arg (NM_001369346.1); c.2645A>G, p.His882Arg (NM_001369347.1); short protein forms H882R, H1084R, H1142R.
Identifiers: ClinVar variation 3672372 (VCV003672372.2).

ClinVar aggregate classification (germline): Uncertain significance (1 of 4 stars; one submission).

gnomAD v4.1: 2 of 1,613,986 alleles (0.00012%); highest among the groups gnomAD compares: Non-Finnish European, 0.00017%; no homozygotes.

Submission:

Labcorp Genetics (formerly Invitae), Labcorp
Classification: Uncertain significance. Last evaluated: 2024-08-28. Review status: criteria provided, single submitter. Criteria: Invitae Variant Classification Sherloc (09022015). Collection method: clinical testing. Allele origin: germline.
Comment: This sequence change replaces histidine, which is basic and polar, with arginine, which is basic and polar, at codon 1142 of the ASXL2 protein (p.His1142Arg). This variant is not present in population databases (gnomAD no frequency). This variant has not been reported in the literature in individuals affected with ASXL2-related conditions. Invitae Evidence Modeling of protein sequence and biophysical properties (such as structural, functional, and spatial information, amino acid conservation, physicochemical variation, residue mobility, and thermodynamic stability) indicates that this missense variant is not expected to disrupt ASXL2 protein function with a negative predictive value of 80%. In summary, the available evidence is currently insufficient to determine the role of this variant in disease. Therefore, it has been classified as a Variant of Uncertain Significance.